The following is an entry in ClinVar:

ClinVar aggregate classification (germline): Uncertain significance (1 of 4 stars; one submission).

Submission:

Labcorp Genetics (formerly Invitae), Labcorp
Classification: Uncertain significance. Last evaluated: 2024-02-22. Review status: criteria provided, single submitter. Criteria: Invitae Variant Classification Sherloc (09022015). Collection method: clinical testing. Allele origin: germline.
Comment: This sequence change replaces aspartic acid, which is acidic and polar, with glutamic acid, which is acidic and polar, at codon 283 of the CCND2 protein (p.Asp283Glu). This variant is not present in population databases (gnomAD no frequency). This variant has not been reported in the literature in individuals affected with CCND2-related conditions. An algorithm developed to predict the effect of missense changes on protein structure and function (PolyPhen-2) suggests that this variant is likely to be disruptive. In summary, the available evidence is currently insufficient to determine the role of this variant in disease. Therefore, it has been classified as a Variant of Uncertain Significance.

NM_001759.4(CCND2):c.849C>A (p.Asp283Glu)

Gene: CCND2 (cyclin D2; plus strand). Cytogenetic location: 12p13.32.
Variant type: single nucleotide variant.
Coding change: c.849C>A on transcript NM_001759.4 (MANE Select); coding-DNA position 849, C replaced by A.
Protein change: p.Asp283Glu; replaces aspartic acid 283 with glutamic acid.
Molecular consequence: missense variant.
Genome position (GRCh38, 1-based): chr12:4,299,988, C>A. VCF-style: chr12-4299988-C-A. GRCh37 (hg19) VCF-style: chr12-4409154-C-A.
Other names: short protein forms D283E.
Identifiers: ClinVar variation 3642607 (VCV003642607.2).